The following is an entry in ClinVar:

NM_032578.4(MYPN):c.2273T>C (p.Val758Ala)

Gene: MYPN (myopalladin; plus strand). Cytogenetic location: 10q21.3.
Variant type: single nucleotide variant.
Coding change: c.2273T>C on transcript NM_032578.4 (MANE Select); coding-DNA position 2273, T replaced by C.
Protein change: p.Val758Ala; replaces valine 758 with alanine.
Molecular consequence: missense variant. On other transcripts: non-coding transcript variant (2).
Genome position (GRCh38, 1-based): chr10:68,174,365, T>C. VCF-style: chr10-68174365-T-C. GRCh37 (hg19) VCF-style: chr10-69934122-T-C.
Other names: c.2273T>C, p.Val758Ala (NM_001256267.2); c.1391T>C, p.Val464Ala (NM_001256268.2); c.2273T>C (NM_032578.2); short protein forms V758A, V464A.
Identifiers: ClinVar variation 477749 (VCV000477749.6), dbSNP rs773188742, ClinGen allele CA5522762.
Genomic context (GRCh38, chr10:68,174,365, plus strand): 5'-CCCCTTCCAGCTCTCCGGTGTTCACTTTGAGCAGCACTCCTCAAACTATTCAGAGGACAG[T>C]GAGCAAAGAAAGCCTCTTAGTGTCTCACCCCTCTGTGCAAACCAAATCTCCAGGAGGGCT-3'
Protein context (NP_115967.2, residues 748-768): SSTPQTIQRT[Val758Ala]SKESLLVSHP

ClinVar aggregate classification (germline): Uncertain significance. Review status: criteria provided, multiple submitters, no conflicts (2 of 4 stars). 3 submissions from 3 submitters: Uncertain significance (3). Last evaluated 2026-03-23.

Conditions:
MYPN-related disorder. Also called: MYPN-related condition.
Cardiovascular phenotype. Identifiers: MedGen CN230736.
Dilated cardiomyopathy 1KK (CMD1KK). Identifiers: Orphanet 154, Orphanet 75249, MedGen C3714995, MONDO:0014100, OMIM 615248.

Allele frequency attached by ClinVar (database versions not stated): gnomAD exomes below 0.00001 and 0.00001; TOPMed below 0.00001; ExAC 0.00001; gnomAD 0.00001.
gnomAD v4.1: 7 of 1,614,004 alleles (0.00043%); highest among the groups gnomAD compares: African/African-American, 0.0013%; no homozygotes.

Submissions (3):

Ambry Genetics
Classification: Uncertain significance for Cardiovascular phenotype. Last evaluated: 2026-03-23. Review status: criteria provided, single submitter. Criteria: Ambry Variant Classification Scheme 2023. Collection method: clinical testing. Allele origin: germline.
Comment: The p.V758A variant (also known as c.2273T>C), located in coding exon 10 of the MYPN gene, results from a T to C substitution at nucleotide position 2273. The valine at codon 758 is replaced by alanine, an amino acid with similar properties. This amino acid position is conserved. In addition, this alteration is predicted to be tolerated by in silico analysis. Based on the available evidence, the clinical significance of this variant remains unclear.

PreventionGenetics, part of Exact Sciences
Classification: Uncertain significance for MYPN-related condition. Last evaluated: 2026-01-13. Review status: criteria provided, single submitter. Criteria: ACMG Guidelines, 2015. Collection method: clinical testing. Allele origin: germline.
Comment: The MYPN c.2273T>C variant is predicted to result in the amino acid substitution p.Val758Ala. To our knowledge, this variant has not been reported in the literature. This variant is reported in 0.00088% of alleles in individuals of European (Non-Finnish) descent in gnomAD. At this time, the clinical significance of this variant is uncertain due to the absence of conclusive functional and genetic evidence.

Labcorp Genetics (formerly Invitae), Labcorp
Classification: Uncertain significance for Dilated cardiomyopathy 1KK. Last evaluated: 2021-12-09. Review status: criteria provided, single submitter. Criteria: Invitae Variant Classification Sherloc (09022015). Collection method: clinical testing. Allele origin: germline.
Comment: In summary, the available evidence is currently insufficient to determine the role of this variant in disease. Therefore, it has been classified as a Variant of Uncertain Significance. Algorithms developed to predict the effect of missense changes on protein structure and function output the following: SIFT: "Tolerated"; PolyPhen-2: "Benign"; Align-GVGD: "Class C0". The alanine amino acid residue is found in multiple mammalian species, which suggests that this missense change does not adversely affect protein function. ClinVar contains an entry for this variant (Variation ID: 477749). This variant has not been reported in the literature in individuals affected with MYPN-related conditions. This variant is present in population databases (rs773188742, gnomAD 0.0009%). This sequence change replaces valine, which is neutral and non-polar, with alanine, which is neutral and non-polar, at codon 758 of the MYPN protein (p.Val758Ala).